The following is an entry in ClinVar:

ClinVar aggregate classification (germline): Pathogenic. Review status: criteria provided, multiple submitters, no conflicts (2 of 4 stars). 2 submissions from 2 submitters: Pathogenic (2). Last evaluated 2025-07-23.

Conditions:
Cardiovascular phenotype. Identifiers: MedGen CN230736.

Allele frequency attached by ClinVar (database versions not stated): TOPMed below 0.00001.

Submissions (2):

Ambry Genetics
Classification: Pathogenic for Cardiovascular phenotype. Last evaluated: 2025-07-23. Review status: criteria provided, single submitter. Criteria: Ambry Variant Classification Scheme 2023. Collection method: clinical testing. Allele origin: germline.
Comment: The c.689+2T>C intronic pathogenic mutation results from a T to C substitution two nucleotides after coding exon 5 in the ENG gene. This variant was reported in individual(s) with features consistent with hereditary hemorrhagic telangiectasia (Lesca G et al. Hum Mutat, 2004 Apr;23:289-99; Letteboer TG et al. Hum Genet. 2005 Jan;116(1-2):8-16; Ambry internal data). This variant is considered to be rare based on population cohorts in the Genome Aggregation Database (gnomAD). This nucleotide position is highly conserved in available vertebrate species. In silico splice site analysis predicts that this alteration will weaken the native splice donor site. Alterations that disrupt the canonical splice site are expected to cause aberrant splicing, resulting in an abnormal protein or a transcript that is subject to nonsense-mediated mRNA decay. As such, this alteration is classified as disease-causing mutation.

GeneDx
Classification: Pathogenic. Last evaluated: 2015-04-28. Review status: criteria provided, single submitter. Criteria: GeneDx Variant Classification (06012015). Collection method: clinical testing. Allele origin: germline. Affected: yes.
Comment: c.689+2 T>C: IVS5+2 T>C in exon 5 of the ENG gene (NM_000118.2)The c.689+2 T>C mutation has been reported in at least two individuals with HHT (Lesca et al., 2004; Letteboer et al., 2005). This mutation destroys the canonical splice donor site in intron 5 and is predicted to cause abnormal gene splicing. The mutation is predicted to lead to either an abnormal message that is subject to nonsense-mediated mRNA decay, or to an abnormal protein product if the message is used for protein translation. Other splice site mutations in the ENG gene have been reported in association with HHT. In summary, c.689+2 T>C in the ENG gene is interpreted as a disease-causing mutation. This variant was found in HHT-PANCARD

Literature cited by the submitters: PubMed 15024723 (cited by Ambry Genetics); PubMed 15517393 (cited by Ambry Genetics).

NM_001114753.3(ENG):c.689+2T>C

Gene: ENG (endoglin; minus strand). Cytogenetic location: 9q34.11.
Variant type: single nucleotide variant.
Coding change: c.689+2T>C on transcript NM_001114753.3 (MANE Select); the canonical splice donor site of the intron after coding-DNA position 689, T replaced by C.
Molecular consequence: splice donor variant.
Genome position (GRCh38, 1-based): chr9:127,825,693, A>G on the plus strand (T>C on the coding strand, the complement: ENG is on the minus strand). VCF-style: chr9-127825693-A-G. GRCh37 (hg19) VCF-style: chr9-130587972-A-G.
Other names: c.689+2T>C (NM_001114753.1, NM_000118.4, NM_001406715.1); c.143+2T>C (NM_001278138.2).
Identifiers: ClinVar variation 213208 (VCV000213208.5), dbSNP rs863223535, ClinGen allele CA324588.